The following is an entry in ClinVar:

NM_002878.4(RAD51D):c.771C>T (p.Ser257=)

Genes: RAD51D (RAD51 paralog D; minus strand), RAD51L3-RFFL (RAD51L3-RFFL readthrough; minus strand). Cytogenetic location: 17q12.
Variant type: single nucleotide variant.
Coding change: c.771C>T on transcript NM_002878.4 (MANE Select); coding-DNA position 771, C replaced by T.
Protein change: p.Ser257=; no amino-acid change (serine 257 retained).
Molecular consequence: synonymous variant. On other transcripts: non-coding transcript variant (3).
Genome position (GRCh38, 1-based): chr17:35,101,333, G>A on the plus strand (C>T on the coding strand, the complement: RAD51D is on the minus strand). VCF-style: chr17-35101333-G-A. GRCh37 (hg19) VCF-style: chr17-33428352-G-A.
Other names: p.S257S:AGC>AGT; c.831C>T, p.Ser277= (NM_001142571.2); c.435C>T, p.Ser145= (NM_133629.3).
Identifiers: ClinVar variation 138875 (VCV000138875.41), dbSNP rs146212490, ClinGen allele CA293033.

ClinVar aggregate classification (germline): Benign/Likely benign. Review status: criteria provided, multiple submitters, no conflicts (2 of 4 stars). 14 submissions from 14 submitters: Benign (7); Likely benign (5). 2 of the submissions do not count toward it. Last evaluated 2026-02-03.

Conditions:
Hereditary cancer-predisposing syndrome. Also called: Tumor predisposition; Hereditary neoplastic syndrome; Hereditary Cancer Syndrome; Neoplastic Syndromes, Hereditary. Identifiers: Orphanet 140162, MedGen C0027672, MeSH D009386, MONDO:0015356.
Hereditary breast ovarian cancer syndrome. Also called: Hereditary breast and ovarian cancer; Hereditary breast and/or ovarian cancer syndrome; BRCA1- and BRCA2-Associated Hereditary Breast and Ovarian Cancer; Hereditary breast and ovarian cancer syndrome (HBOC); Hereditary breast and ovarian cancer syndrome; Breast and ovarian cancer. Identifiers: Orphanet 145, MedGen C0677776, MeSH D061325, MONDO:0003582. Disease mechanism: loss of function.
Breast-ovarian cancer, familial, susceptibility to, 4. Identifiers: Orphanet 145, MedGen C3280345, MONDO:0013669, OMIM 614291.

Allele frequency attached by ClinVar (database versions not stated): gnomAD exomes 0.00020 and 0.00047; ExAC 0.00058; 1000 Genomes Project 0.00080; 1000 Genomes Project 30x 0.00109; ESP Exome Variant Server 0.00177; gnomAD 0.00184 and 0.00206; TOPMed 0.00193.

Submissions (14):

Labcorp Genetics (formerly Invitae), Labcorp
Classification: Benign for Breast-ovarian cancer, familial, susceptibility to, 4. Last evaluated: 2026-02-03. Review status: criteria provided, single submitter. Criteria: Invitae Variant Classification Sherloc (09022015). Collection method: clinical testing. Allele origin: germline.

Quest Diagnostics Nichols Institute San Juan Capistrano
Classification: Benign. Last evaluated: 2025-10-22. Review status: criteria provided, single submitter. Criteria: Quest Diagnostics criteria. Collection method: clinical testing. Allele origin: unknown.

CeGaT Center for Human Genetics Tuebingen
Classification: Likely benign. Last evaluated: 2025-08-01. Review status: criteria provided, single submitter. Criteria: CeGaT Center For Human Genetics Tuebingen Variant Classification Criteria Version 2. Collection method: clinical testing. Allele origin: germline. Affected: yes. Observed: 1 variant allele.
Comment: RAD51D: BP4, BP7

Blueprint Genetics
Classification: Likely benign. Last evaluated: 2024-10-18. Review status: criteria provided, single submitter. Criteria: ACMG Guidelines, 2015. Collection method: clinical testing. Allele origin: germline.

Myriad Genetics, Inc.
Classification: Benign for Breast-ovarian cancer, familial, susceptibility to, 4. Last evaluated: 2023-04-06. Review status: criteria provided, single submitter. Criteria: Myriad Autosomal Dominant, Autosomal Recessive and X-Linked Classification Criteria (2023). Collection method: clinical testing. Allele origin: unknown.
Comment: This variant is considered benign. This variant is a silent/synonymous amino acid change and it is not expected to impact splicing.

Department of Pathology and Laboratory Medicine, Sinai Health System
Classification: Likely benign for Hereditary breast ovarian cancer syndrome. Last evaluated: 2022-06-17. Review status: criteria provided, single submitter. Criteria: ACMG Guidelines, 2015. Collection method: clinical testing. Allele origin: germline. Affected: yes.

Sema4
Classification: Likely benign for Hereditary cancer-predisposing syndrome. Last evaluated: 2021-02-24. Review status: criteria provided, single submitter. Criteria: Sema4 Curation Guidelines. Collection method: curation. Allele origin: germline.

Genetic Services Laboratory, University of Chicago
Classification: Benign. Last evaluated: 2020-04-27. Review status: criteria provided, single submitter. Criteria: ACMG Guidelines, 2015. Collection method: clinical testing. Allele origin: germline. Affected: no.

Eurofins Ntd Llc (ga)
Classification: Benign. Last evaluated: 2018-03-12. Review status: criteria provided, single submitter. Criteria: EGL ClinVar v180209 classification definitions. Collection method: clinical testing. Allele origin: germline. Observed: 1 variant allele, 1 heterozygote.

Color Diagnostics, LLC DBA Color Health
Classification: Benign for Hereditary cancer-predisposing syndrome. Last evaluated: 2015-09-30. Review status: criteria provided, single submitter. Criteria: ACMG Guidelines, 2015. Collection method: clinical testing. Allele origin: germline.

Ambry Genetics
Classification: Likely benign for Hereditary cancer-predisposing syndrome. Last evaluated: 2014-06-19. Review status: criteria provided, single submitter. Criteria: Ambry Variant Classification Scheme 2023. Collection method: clinical testing. Allele origin: germline.

GeneDx
Classification: Benign. Last evaluated: 2014-01-28. Review status: criteria provided, single submitter. Criteria: GeneDx Variant Classification (06012015). Collection method: clinical testing. Allele origin: germline. Affected: yes.
Comment: This variant is considered likely benign or benign based on one or more of the following criteria: it is a conservative change, it occurs at a poorly conserved position in the protein, it is predicted to be benign by multiple in silico algorithms, and/or has population frequency not consistent with disease.

Institute for Biomarker Research, Medical Diagnostic Laboratories, L.L.C.
Classification: Likely benign for Hereditary breast ovarian cancer syndrome. Last evaluated: 2021-09-27. Review status: no assertion criteria provided. Collection method: clinical testing. Allele origin: germline. Not counted in ClinVar's aggregate classification.

Counsyl
Classification: Likely benign for Breast-ovarian cancer, familial, susceptibility to, 4. Last evaluated: 2016-06-09. Review status: no assertion criteria provided. Collection method: clinical testing. Allele origin: unknown. Not counted in ClinVar's aggregate classification.